The following is an entry in ClinVar:

ClinVar aggregate classification (germline): Uncertain significance (1 of 4 stars; one submission).

Conditions:
Hereditary cancer-predisposing syndrome. Also called: Hereditary Cancer Syndrome; Hereditary neoplastic syndrome; Neoplastic Syndromes, Hereditary; Tumor predisposition. Identifiers: Orphanet 140162, MedGen C0027672, MeSH D009386, MONDO:0015356.

Allele frequency attached by ClinVar (database versions not stated): gnomAD 0.00003 and 0.00004; ExAC 0.00004; 1000 Genomes Project 30x 0.00031; 1000 Genomes Project 0.00040.
gnomAD v4.1: 22 of 1,614,022 alleles (0.0014%); highest among the groups gnomAD compares: African/African-American, 0.0053%; no homozygotes.

Submission:

Sema4
Classification: Uncertain significance for Hereditary cancer-predisposing syndrome. Last evaluated: 2022-01-16. Review status: criteria provided, single submitter. Criteria: Sema4 Curation Guidelines. Collection method: curation. Allele origin: germline.
Comment: To the best of our knowledge, the ERCC5 c.707G>C (p.G236A) variant has not been reported in individuals with ERCC5-related disease. This variant was observed in 3/19952 chromosomes in the East Asian subpopulation, according to the Genome Aggregation Database (PMID: 32461654). This variant has not been reported in ClinVar. Functional studies have not been performed, and in silico predictions of the variant's effect on protein function are inconclusive. The evidence is insufficient to meet ACMG/AMP criteria for classifying the variant as benign or pathogenic. Thus, the clinical significance of this variant is currently uncertain.

NM_000123.4(ERCC5):c.707G>C (p.Gly236Ala)

Genes: ERCC5 (ERCC excision repair 5, endonuclease; plus strand), BIVM-ERCC5 (BIVM-ERCC5 readthrough; plus strand). Cytogenetic location: 13q33.1.
Variant type: single nucleotide variant.
Coding change: c.707G>C on transcript NM_000123.4 (MANE Select); coding-DNA position 707, G replaced by C.
Protein change: p.Gly236Ala; replaces glycine 236 with alanine.
Molecular consequence: missense variant.
Genome position (GRCh38, 1-based): chr13:102,861,541, G>C. VCF-style: chr13-102861541-G-C. GRCh37 (hg19) VCF-style: chr13-103513891-G-C.
Other names: c.2069G>C, p.Gly690Ala (NM_001204425.2); short protein forms G236A, G690A.
Identifiers: ClinVar variation 1692198 (VCV001692198.1), dbSNP rs201777503, ClinGen allele CA7041264.
Genomic context (GRCh38, chr13:102,861,541, plus strand): 5'-ATTTTGTTTGTTTATTTTGCCTTTAGGAGTCTGATGACTTTTCACAGTACCAACTCAAAG[G>C]CTTGCTTAAAAAGAACTATCTGAACCAGCATATAGAACATGTCCAAAAGGAAATGAATCA-3'
Protein context (NP_000114.3, residues 226-246): SDDFSQYQLK[Gly236Ala]LLKKNYLNQH